The following is an entry in ClinVar:

NM_014141.6(CNTNAP2):c.*4G>A

Gene: CNTNAP2 (contactin associated protein 2; plus strand). Cytogenetic location: 7q36.1.
Variant type: single nucleotide variant.
Coding change: c.*4G>A on transcript NM_014141.6 (MANE Select); 4 bases downstream of the stop codon, G replaced by A.
Molecular consequence: 3 prime UTR variant.
Genome position (GRCh38, 1-based): chr7:148,415,620, G>A. VCF-style: chr7-148415620-G-A. GRCh37 (hg19) VCF-style: chr7-148112712-G-A.
Identifiers: ClinVar variation 587763 (VCV000587763.5), dbSNP rs374277682, ClinGen allele CA168856546.

ClinVar aggregate classification (germline): Uncertain significance (1 of 4 stars; one submission).

Conditions:
Inborn genetic diseases. Identifiers: MedGen C0950123, MeSH D030342.

Allele frequency attached by ClinVar (database versions not stated): gnomAD exomes 0.00001; gnomAD 0.00003 and 0.00004; TOPMed 0.00003; ESP Exome Variant Server 0.00008.
gnomAD v4.1: 11 of 1,614,044 alleles (0.00068%); highest among the groups gnomAD compares: Admixed American, 0.005%; no homozygotes.

Submission:

Ambry Genetics
Classification: Uncertain significance for Inborn genetic diseases. Last evaluated: 2016-09-13. Review status: criteria provided, single submitter. Criteria: Ambry Variant Classification Scheme 2023. Collection method: clinical testing. Allele origin: germline.
Comment: The c.*4G>A variant is located in the 3' untranslated region (3&rsquo; UTR) of the CNTNAP2 gene. This variant results from a G to A substitution four nucleotides after the last translated codon. This variant was previously reported in the SNPDatabase as rs374277682. Based on data from the NHLBI Exome Sequencing Project (ESP), the A allele has an overall frequency of approximately 0.01% (1/13006) total alleles studied and 0.01% (1/8600) European American alleles. This nucleotide position is not well conserved in available vertebrate species. Since supporting evidence is limited at this time, the clinical significance of this alteration remains unclear.